The following is an entry in ClinVar:

NM_003632.3(CNTNAP1):c.4064dup (p.Ala1356fs)

Genes: CNTNAP1 (contactin associated protein 1; plus strand), LOC128669077 (EZH1 +46 kb erythroid enhancer; plus strand). Cytogenetic location: 17q21.2.
Variant type: Duplication.
Coding change: c.4064dup on transcript NM_003632.3 (MANE Select); coding-DNA position 4064, one base duplicated (C; older notation c.4064dupC).
Protein change: p.Ala1356fs; shifts the reading frame from alanine 1356.
Molecular consequence: frameshift variant.
Genome position (GRCh38, 1-based): chr17:42,698,819, C duplicated. VCF-style (leftmost placement, unchanged base first): chr17-42698818-T-TC. GRCh37 (hg19) VCF-style: chr17-40850836-T-TC.
Other names: short protein forms A1356fs.
Identifiers: ClinVar variation 5038344 (VCV005038344.1).
Genomic context (GRCh38, chr17:42,698,818, plus strand): 5'-CCCACTTCAGGCCCTGCCCAGGTCCCCACCCCTACAGCAGCTCCCAACCAAGCTCCAGCC[T>TC]CAGCCCCAGCCCCAGCCCCAACTCCAGCCCCAGCCCCTGGCCCCCGGGATCAGAACCTAC-3'

ClinVar aggregate classification (germline): Uncertain significance (1 of 4 stars; one submission).

Conditions:
Fetal anomalies with a likely genetic cause.

Submission:

Genetics Laboratory, Great Ormond Street Hospital NHS Foundation Trust, North Thames Genomic Laboratory Hub
Classification: Uncertain significance for Fetal anomalies with a likely genetic cause. Last evaluated: 2026-09-03. Review status: criteria provided, single submitter. Criteria: ACGS Best Practice Guidelines for Variant Classification in Rare Disease 2024 v1.2. Collection method: clinical testing. Allele origin: germline. Affected: yes.
Comment: PM2_moderate, PVS1_moderate